The following is an entry in ClinVar:

NM_001040108.2(MLH3):c.2739T>C (p.Ser913=)

Gene: MLH3 (mutL homolog 3; minus strand). Cytogenetic location: 14q24.3.
Variant type: single nucleotide variant.
Coding change: c.2739T>C on transcript NM_001040108.2 (MANE Select); coding-DNA position 2739, T replaced by C.
Protein change: p.Ser913=; no amino-acid change (serine 913 retained).
Molecular consequence: synonymous variant.
Genome position (GRCh38, 1-based): chr14:75,046,917, A>G on the plus strand (T>C on the coding strand, the complement: MLH3 is on the minus strand). VCF-style: chr14-75046917-A-G. GRCh37 (hg19) VCF-style: chr14-75513620-A-G.
Other names: c.2739T>C, p.Ser913= (NM_014381.3).
Identifiers: ClinVar variation 4875984 (VCV004875984.1).

ClinVar aggregate classification (germline): Benign (1 of 4 stars; one submission).

Conditions:
Colorectal cancer, hereditary nonpolyposis, type 7. Identifiers: Orphanet 144, MedGen C1858380, MONDO:0013725, OMIM 614385.

Submission:

Myriad Genetics, Inc.
Classification: Benign for Colorectal cancer, hereditary nonpolyposis, type 7. Last evaluated: 2026-05-05. Review status: criteria provided, single submitter. Criteria: Myriad Autosomal Dominant, Autosomal Recessive and X-Linked Classification Criteria (2023). Collection method: clinical testing. Allele origin: unknown.
Comment: This variant is considered benign. This variant is a silent/synonymous amino acid change and it is not expected to impact splicing.